The following is an entry in ClinVar:

ClinVar aggregate classification (germline): Likely pathogenic (1 of 4 stars; one submission).

Conditions:
HYPERHOMOCYSTEINEMIA, THROMBOTIC, CBS-RELATED. Identifiers: MedGen C3150344, OMIM 236200.

Submission:

Labcorp Genetics (formerly Invitae), Labcorp
Classification: Likely pathogenic for HYPERHOMOCYSTEINEMIA, THROMBOTIC, CBS-RELATED. Last evaluated: 2023-06-05. Review status: criteria provided, single submitter. Criteria: Invitae Variant Classification Sherloc (09022015). Collection method: clinical testing. Allele origin: germline.
Comment: This sequence change replaces proline, which is neutral and non-polar, with arginine, which is basic and polar, at codon 145 of the CBS protein (p.Pro145Arg). This variant is not present in population databases (gnomAD no frequency). This variant has not been reported in the literature in individuals affected with CBS-related conditions. Advanced modeling of protein sequence and biophysical properties (such as structural, functional, and spatial information, amino acid conservation, physicochemical variation, residue mobility, and thermodynamic stability) performed at Invitae indicates that this missense variant is expected to disrupt CBS protein function. This variant disrupts the p.Pro145 amino acid residue in CBS. Other variant(s) that disrupt this residue have been determined to be pathogenic (PMID: 8353501, 16479318, 22267502, 24211323, 25218699). This suggests that this residue is clinically significant, and that variants that disrupt this residue are likely to be disease-causing. In summary, the currently available evidence indicates that the variant is pathogenic, but additional data are needed to prove that conclusively. Therefore, this variant has been classified as Likely Pathogenic.

Literature cited by the submitters: PubMed 8353501; PubMed 16479318; PubMed 22267502; PubMed 24211323; PubMed 25218699.

NM_000071.3(CBS):c.434C>G (p.Pro145Arg)

Gene: CBS (cystathionine beta-synthase; minus strand). Cytogenetic location: 21q22.3.
Variant type: single nucleotide variant.
Coding change: c.434C>G on transcript NM_000071.3 (MANE Select); coding-DNA position 434, C replaced by G.
Protein change: p.Pro145Arg; replaces proline 145 with arginine.
Molecular consequence: missense variant.
Genome position (GRCh38, 1-based): chr21:43,066,260, G>C on the plus strand (C>G on the coding strand, the complement: CBS is on the minus strand). VCF-style: chr21-43066260-G-C. GRCh37 (hg19) VCF-style: chr21-44486370-G-C.
Other names: c.434C>G, p.Pro145Arg (NM_001178008.3, NM_001178009.3, NM_001320298.2); c.119C>G, p.Pro40Arg (NM_001321072.1); short protein forms P40R, P145R.
Identifiers: ClinVar variation 2692667 (VCV002692667.3), dbSNP rs121964963, ClinGen allele CA410601659.